The following is an entry in ClinVar:

ClinVar aggregate classification (germline): Uncertain significance (1 of 4 stars; one submission).

Conditions:
Inborn genetic diseases. Identifiers: MedGen C0950123, MeSH D030342.

gnomAD v4.1: 1 of 1,613,844 alleles (0.000062%); highest among the groups gnomAD compares: African/African-American, 0.0013%; no homozygotes.

Submission:

Ambry Genetics
Classification: Uncertain significance for Inborn genetic diseases. Last evaluated: 2025-09-11. Review status: criteria provided, single submitter. Criteria: Ambry Variant Classification Scheme 2023. Collection method: clinical testing. Allele origin: germline.
Comment: The p.Q77R variant (also known as c.230A>G), located in coding exon 3 of the CEP57 gene, results from an A to G substitution at nucleotide position 230. The glutamine at codon 77 is replaced by arginine, an amino acid with highly similar properties. This amino acid position is conserved. In addition, this alteration is predicted to be deleterious by in silico analysis. Based on the available evidence, the clinical significance of this variant remains unclear.

NM_014679.5(CEP57):c.230A>G (p.Gln77Arg)

Gene: CEP57 (centrosomal protein 57; plus strand). Cytogenetic location: 11q21.
Variant type: single nucleotide variant.
Coding change: c.230A>G on transcript NM_014679.5 (MANE Select); coding-DNA position 230, A replaced by G.
Protein change: p.Gln77Arg; replaces glutamine 77 with arginine.
Molecular consequence: missense variant. On other transcripts: intron variant (3).
Genome position (GRCh38, 1-based): chr11:95,812,959, A>G. VCF-style: chr11-95812959-A-G. GRCh37 (hg19) VCF-style: chr11-95546123-A-G.
Other names: c.149A>G, p.Gln50Arg (NM_001363604.2, NM_001440869.1, NM_001440870.1 and 3 more transcripts); c.230A>G, p.Gln77Arg (NM_001440871.1, NM_001440872.1, NM_001440874.1 and 4 more transcripts); c.203-509A>G (NM_001440873.1, NM_001440881.1); c.122-509A>G (NM_001440880.1); c.203A>G, p.Gln68Arg (NM_001243776.2); short protein forms Q68R, Q50R, Q77R.
Identifiers: ClinVar variation 4226406 (VCV004226406.1).
Genomic context (GRCh38, chr11:95,812,959, plus strand): 5'-TACAGCATCCACGTTTGTGTTTGTATTTGGCAGCCATATTTTCTGCTCTTAAGAATCTTC[A>G]AGATAAGATTCGACGCTTGGAACTTGAGAGGATTCAGGCAGAAGAAAGTGTGAAAACCTT-3'
Protein context (NP_055494.2, residues 67-87): RAIFSALKNL[Gln77Arg]DKIRRLELER